The following is an entry in ClinVar:

NM_000088.4(COL1A1):c.3906del (p.Thr1303fs)

Gene: COL1A1 (collagen type I alpha 1 chain; minus strand). Cytogenetic location: 17q21.33.
Variant type: Deletion.
Coding change: c.3906del on transcript NM_000088.4 (MANE Select); coding-DNA position 3906, one base deleted (C; older notation c.3906delC).
Protein change: p.Thr1303fs; shifts the reading frame from threonine 1303.
Molecular consequence: frameshift variant.
Genome position (GRCh38, 1-based): chr17:50,186,416, G deleted on the plus strand (C on the coding strand, the reverse complement: COL1A1 is on the minus strand); the first of 4 consecutive G bases (chr17:50,186,416-50,186,419); deleting any one gives the same sequence. VCF-style (leftmost placement, unchanged base first): chr17-50186415-TG-T. GRCh37 (hg19) VCF-style: chr17-48263776-TG-T.
Other names: short protein forms T1303fs.
Identifiers: ClinVar variation 4718908 (VCV004718908.1).

ClinVar aggregate classification (germline): Pathogenic (1 of 4 stars; one submission).

Conditions:
Osteogenesis imperfecta type I (OI1). Also called: Lobstein disease; Classic Non-deforming Osteogenesis Imperfecta with Blue Sclerae; OI, TYPE I; OSTEOGENESIS IMPERFECTA TARDA; OSTEOGENESIS IMPERFECTA WITH BLUE SCLERAE; Osteogenesis imperfecta type 1. Identifiers: Orphanet 216796, Orphanet 666, MedGen C0023931, MONDO:0008146, OMIM 166200. Disease mechanism: loss of function.

Submission:

Labcorp Genetics (formerly Invitae), Labcorp
Classification: Pathogenic for Osteogenesis imperfecta type I. Last evaluated: 2025-05-04. Review status: criteria provided, single submitter. Criteria: Invitae Variant Classification Sherloc (09022015). Collection method: clinical testing. Allele origin: germline.
Comment: This sequence change creates a premature translational stop signal (p.Thr1303Leufs*28) in the COL1A1 gene. It is expected to result in an absent or disrupted protein product. Loss-of-function variants in COL1A1 are known to be pathogenic (PMID: 7942841, 9295084, 9443882). This variant is not present in population databases (gnomAD no frequency). This variant has not been reported in the literature in individuals affected with COL1A1-related conditions. For these reasons, this variant has been classified as Pathogenic.

Literature cited by the submitters: PubMed 7942841; PubMed 9295084; PubMed 9443882.